The following is an entry in ClinVar:

NM_000059.4(BRCA2):c.9209C>T (p.Ser3070Phe)

Gene: BRCA2 (BRCA2 DNA repair associated; plus strand). Cytogenetic location: 13q13.1.
Variant type: single nucleotide variant.
Coding change: c.9209C>T on transcript NM_000059.4 (MANE Select); coding-DNA position 9209, C replaced by T.
Protein change: p.Ser3070Phe; replaces serine 3070 with phenylalanine.
Molecular consequence: missense variant.
Genome position (GRCh38, 1-based): chr13:32,380,098, C>T. VCF-style: chr13-32380098-C-T. GRCh37 (hg19) VCF-style: chr13-32954235-C-T.
Other names: short protein forms S3070F.
Identifiers: ClinVar variation 186691 (VCV000186691.23), dbSNP rs747837583, ClinGen allele CA026034.

ClinVar aggregate classification (germline): Conflicting classifications of pathogenicity. Review status: criteria provided, conflicting classifications (1 of 4 stars). 8 submissions from 8 submitters: Uncertain significance (7); Likely benign (1). Last evaluated 2026-05-11.

Conditions:
Hereditary cancer-predisposing syndrome. Also called: Tumor predisposition; Hereditary neoplastic syndrome; Neoplastic Syndromes, Hereditary; Hereditary Cancer Syndrome. Identifiers: Orphanet 140162, MedGen C0027672, MeSH D009386, MONDO:0015356.
Familial cancer of breast. Also called: hereditary breast carcinoma; Hereditary breast cancer; BREAST CANCER, FAMILIAL. Identifiers: Orphanet 227535, MedGen C0346153, MONDO:0016419, OMIM 114480. Disease mechanism: loss of function.
Hereditary breast ovarian cancer syndrome. Also called: Hereditary breast and ovarian cancer syndrome; Hereditary breast and ovarian cancer syndrome (HBOC); Breast and ovarian cancer; Hereditary breast and ovarian cancer; Hereditary breast and/or ovarian cancer syndrome; BRCA1- and BRCA2-Associated Hereditary Breast and Ovarian Cancer. Identifiers: Orphanet 145, MedGen C0677776, MeSH D061325, MONDO:0003582. Disease mechanism: loss of function.
Breast-ovarian cancer, familial, susceptibility to, 2 (BROVCA2). Also called: BRCA2 Hereditary Breast and Ovarian Cancer. Identifiers: Orphanet 145, MedGen C2675520, MONDO:0012933, OMIM 612555. Disease mechanism: loss of function.

Allele frequency attached by ClinVar (database versions not stated): gnomAD exomes below 0.00001.
gnomAD v4.1: 17 of 1,613,976 alleles (0.0011%); highest among the groups gnomAD compares: Non-Finnish European, 0.0014%; no homozygotes.

Submissions (8):

Women's Health and Genetics/Laboratory Corporation of America, LabCorp
Classification: Uncertain significance. Last evaluated: 2026-05-11. Review status: criteria provided, single submitter. Criteria: LabCorp Variant Classification Summary - May 2015. Collection method: clinical testing. Allele origin: germline.
Comment: Variant summary: BRCA2 c.9209C>T (p.Ser3070Phe) results in a non-conservative amino acid change in the encoded protein sequence. Algorithms developed to predict the effect of missense changes on protein structure and function are either unavailable or do not agree on the potential impact of this missense change. The variant allele was found at a frequency of 4e-06 in 251282 control chromosomes. The available data on variant occurrences in the general population are insufficient to allow any conclusion about variant significance. c.9209C>T has been observed in individual(s) affected with prostate cancer and breast cancer (Tung_2014, Momozawa_2019), without strong evidence for causality. These report(s) do not provide unequivocal conclusions about association of the variant with Hereditary Breast And Ovarian Cancer Syndrome. At least one publication reports experimental evidence evaluating an impact on protein function. These results showed no damaging effect of this variant via HDR assay (Hu_2022). ClinVar contains an entry for this variant (Variation ID: 186691). Based on the evidence outlined above, the variant was classified as uncertain significance.

Labcorp Genetics (formerly Invitae), Labcorp
Classification: Uncertain significance for Hereditary breast ovarian cancer syndrome. Last evaluated: 2026-02-03. Review status: criteria provided, single submitter. Criteria: Invitae Variant Classification Sherloc (09022015). Collection method: clinical testing. Allele origin: germline.
Comment: This sequence change replaces serine, which is neutral and polar, with phenylalanine, which is neutral and non-polar, at codon 3070 of the BRCA2 protein (p.Ser3070Phe). This variant is present in population databases (rs747837583, gnomAD 0.0009%). This missense change has been observed in individual(s) with breast and prostate cancer (PMID: 25186627, 31214711). ClinVar contains an entry for this variant (Variation ID: 186691). Invitae Evidence Modeling of protein sequence and biophysical properties (such as structural, functional, and spatial information, amino acid conservation, physicochemical variation, residue mobility, and thermodynamic stability) indicates that this missense variant is not expected to disrupt BRCA2 protein function with a negative predictive value of 95%. Experimental studies have shown that this missense change does not substantially affect BRCA2 function (PMID: 35736817). In summary, the available evidence is currently insufficient to determine the role of this variant in disease. Therefore, it has been classified as a Variant of Uncertain Significance.

Baylor Genetics
Classification: Uncertain significance for Familial cancer of breast. Last evaluated: 2023-09-07. Review status: criteria provided, single submitter. Criteria: ACMG Guidelines, 2015. Collection method: clinical testing. Allele origin: unknown.

All of Us Research Program, National Institutes of Health
Classification: Uncertain significance for Breast-ovarian cancer, familial, susceptibility to, 2. Last evaluated: 2023-07-10. Review status: criteria provided, single submitter. Criteria: ACMG Guidelines, 2015. Collection method: clinical testing. Allele origin: germline. Inheritance: Autosomal dominant inheritance. Observed: 1 variant allele, 1 heterozygote.
Comment: This missense variant replaces serine with phenylalanine at codon 3070 of the BRCA2 protein. Computational prediction is inconclusive regarding the impact of this variant on protein structure and function (internally defined REVEL score threshold 0.5 < inconclusive < 0.7, PMID: 27666373). A functional study has shown that this variant does not impact homology-directed DNA repair activity (PMID: 35736817). This variant has been reported in at least two individuals affected with breast cancer and an individual affected with prostate cancer (PMID: 25186627, 31214711, 33471991; Leiden Open Variation Database DB-ID BRCA2_007515). One individual affected with breast cancer also carried a pathogenic variant in the CHEK2 gene that could explain the observed phenotype (PMID: 25186627). This variant has been identified in 1/251282 chromosomes in the general population by the Genome Aggregation Database (gnomAD). The available evidence is insufficient to determine the role of this variant in disease conclusively. Therefore, this variant is classified as a Variant of Uncertain Significance.

This study involves interpretation of variants in research participants for the purpose of population health screening. Participant phenotype was not available at the time of variant classification. Additional details can be found in publication PMID: 35346344, PMCID: PMC8962531

Color Diagnostics, LLC DBA Color Health
Classification: Uncertain significance for Hereditary cancer-predisposing syndrome. Last evaluated: 2023-06-23. Review status: criteria provided, single submitter. Criteria: ACMG Guidelines, 2015. Collection method: clinical testing. Allele origin: germline.
Comment: This missense variant replaces serine with phenylalanine at codon 3070 of the BRCA2 protein. Computational prediction is inconclusive regarding the impact of this variant on protein structure and function (internally defined REVEL score threshold 0.5 < inconclusive < 0.7, PMID: 27666373). A functional study has shown that this variant does not impact homology-directed DNA repair activity (PMID: 35736817). This variant has been reported in at least two individuals affected with breast cancer and an individual affected with prostate cancer (PMID: 25186627, 31214711, 33471991; Leiden Open Variation Database DB-ID BRCA2_007515). One individual affected with breast cancer also carried a pathogenic variant in the CHEK2 gene that could explain the observed phenotype (PMID: 25186627). This variant has been identified in 1/251282 chromosomes in the general population by the Genome Aggregation Database (gnomAD). The available evidence is insufficient to determine the role of this variant in disease conclusively. Therefore, this variant is classified as a Variant of Uncertain Significance.

Ambry Genetics
Classification: Likely benign for Hereditary cancer-predisposing syndrome. Last evaluated: 2022-01-11. Review status: criteria provided, single submitter. Criteria: Ambry Variant Classification Scheme 2023. Collection method: clinical testing. Allele origin: germline.

Quest Diagnostics Nichols Institute San Juan Capistrano
Classification: Uncertain significance. Last evaluated: 2020-12-16. Review status: criteria provided, single submitter. Criteria: Quest Diagnostics criteria. Collection method: clinical testing. Allele origin: unknown.

GeneDx
Classification: Uncertain significance. Last evaluated: 2017-05-10. Review status: criteria provided, single submitter. Criteria: GeneDx Variant Classification (06012015). Collection method: clinical testing. Allele origin: germline. Affected: yes.
Comment: This variant is denoted BRCA2 c.9209C>T at the cDNA level, p.Ser3070Phe (S3070F) at the protein level, and results in the change of a Serine to a Phenylalanine (TCT>TTT). Using alternate nomenclature, this variant would be defined as BRCA2 9437C>T. This variant has not, to our knowledge, been published in the literature as pathogenic or benign. BRCA2 Ser3070Phe was not observed in large population cohorts (NHLBI Exome Sequencing Project, The 1000 Genomes Consortium 2015, Lek 2016). Since Serine and Phenylalanine differ in polarity, charge, size or other properties, this is considered a non-conservative amino acid substitution. BRCA2 Ser3070Phe occurs at a position that is not conserved and is located in the DNA binding domain (Yang 2002). In silico analyses are inconsistent regarding the effect this variant may have on protein structure and function. Based on currently available evidence, it is unclear whether BRCA2 Ser3070Phe is a pathogenic or benign variant. We consider it to be a variant of uncertain significance.

Literature cited by the submitters: PubMed 25186627 (cited by 5 submitters); PubMed 31214711 (cited by 4 submitters); PubMed 35736817 (cited by 4 submitters); PubMed 33471991 (cited by All of Us Research Program, National Institutes of Health and Color Diagnostics, LLC DBA Color Health); PubMed 32160537 (cited by Ambry Genetics and Quest Diagnostics Nichols Institute San Juan Capistrano).